The following is an entry in ClinVar:

NM_002470.4(MYH3):c.185T>C (p.Val62Ala)

Gene: MYH3 (myosin heavy chain 3; minus strand). Cytogenetic location: 17p13.1.
Variant type: single nucleotide variant.
Coding change: c.185T>C on transcript NM_002470.4 (MANE Select); coding-DNA position 185, T replaced by C.
Protein change: p.Val62Ala; replaces valine 62 with alanine.
Molecular consequence: missense variant.
Genome position (GRCh38, 1-based): chr17:10,654,880, A>G on the plus strand (T>C on the coding strand, the complement: MYH3 is on the minus strand). VCF-style: chr17-10654880-A-G. GRCh37 (hg19) VCF-style: chr17-10558197-A-G.
Other names: short protein forms V62A.
Identifiers: ClinVar variation 3665876 (VCV003665876.2).

ClinVar aggregate classification (germline): Uncertain significance (1 of 4 stars; one submission).

gnomAD v4.1: 4 of 1,613,994 alleles (0.00025%); highest among the groups gnomAD compares: South Asian, 0.0011%; no homozygotes.

Submission:

Labcorp Genetics (formerly Invitae), Labcorp
Classification: Uncertain significance. Last evaluated: 2025-05-27. Review status: criteria provided, single submitter. Criteria: Invitae Variant Classification Sherloc (09022015). Collection method: clinical testing. Allele origin: germline.
Comment: This sequence change replaces valine, which is neutral and non-polar, with alanine, which is neutral and non-polar, at codon 62 of the MYH3 protein (p.Val62Ala). This variant is not present in population databases (gnomAD no frequency). This variant has not been reported in the literature in individuals affected with MYH3-related conditions. ClinVar contains an entry for this variant (Variation ID: 3665876). Invitae Evidence Modeling of protein sequence and biophysical properties (such as structural, functional, and spatial information, amino acid conservation, physicochemical variation, residue mobility, and thermodynamic stability) indicates that this missense variant is not expected to disrupt MYH3 protein function with a negative predictive value of 95%. In summary, the available evidence is currently insufficient to determine the role of this variant in disease. Therefore, it has been classified as a Variant of Uncertain Significance.